The following is an entry in ClinVar:

NM_016169.4(SUFU):c.182+6C>T

Gene: SUFU (SUFU negative regulator of hedgehog signaling; plus strand). Cytogenetic location: 10q24.32.
Variant type: single nucleotide variant.
Coding change: c.182+6C>T on transcript NM_016169.4 (MANE Select); 6 bases into the intron after coding-DNA position 182, C replaced by T.
Molecular consequence: intron variant.
Genome position (GRCh38, 1-based): chr10:102,504,340, C>T. VCF-style: chr10-102504340-C-T. GRCh37 (hg19) VCF-style: chr10-104264097-C-T.
Other names: c.182+6C>T (NM_001178133.2).
Identifiers: ClinVar variation 1018909 (VCV001018909.7), dbSNP rs889720087, ClinGen allele CA1932719726.

ClinVar aggregate classification (germline): Uncertain significance (1 of 4 stars; one submission).

Conditions:
Medulloblastoma (MDB). Also called: MEDULLOBLASTOMA PREDISPOSITION SYNDROME; Medulloblastoma, somatic. Identifiers: Orphanet 616, MedGen C0025149, MeSH D008527, MONDO:0007959, OMIM 155255, HP:0002885.
Gorlin syndrome. Also called: Nevoid Basal Cell Carcinoma Syndrome; Basal cell nevus syndrome. Identifiers: Orphanet 377, MedGen C0004779, MONDO:0007187.

Submission:

Labcorp Genetics (formerly Invitae), Labcorp
Classification: Uncertain significance for Gorlin syndrome; Medulloblastoma. Last evaluated: 2022-09-19. Review status: criteria provided, single submitter. Criteria: Invitae Variant Classification Sherloc (09022015). Collection method: clinical testing. Allele origin: germline.
Comment: This sequence change falls in intron 1 of the SUFU gene. It does not directly change the encoded amino acid sequence of the SUFU protein. It affects a nucleotide within the consensus splice site. In summary, the available evidence is currently insufficient to determine the role of this variant in disease. Therefore, it has been classified as a Variant of Uncertain Significance. Variants that disrupt the consensus splice site are a relatively common cause of aberrant splicing (PMID: 17576681, 9536098). Algorithms developed to predict the effect of sequence changes on RNA splicing suggest that this variant may disrupt the consensus splice site. ClinVar contains an entry for this variant (Variation ID: 1018909). This variant has not been reported in the literature in individuals affected with SUFU-related conditions. This variant is not present in population databases (gnomAD no frequency).

Literature cited by the submitters: PubMed 17576681; PubMed 9536098.